The following is an entry in ClinVar:

ClinVar aggregate classification (germline): Pathogenic/Likely pathogenic. Review status: criteria provided, multiple submitters, no conflicts (2 of 4 stars). 2 submissions from 2 submitters: Pathogenic (1); Likely pathogenic (1). Last evaluated 2025-12-03.

Conditions:
Multiple congenital exostosis (EXT). Also called: MULTIPLE CARTILAGINOUS EXOSTOSES; Hereditary multiple osteochondromas; Multiple osteochondromas; Multiple exostoses; Hereditary multiple exostoses; Hereditary multiple exostosis. Identifiers: Orphanet 321, MedGen C0015306, MONDO:0005508, HP:0002762.
Chondrosarcoma. Also called: Chondrosarcoma, somatic. Identifiers: Orphanet 55880, MedGen C0008479, MONDO:0008977, OMIM 215300, HP:0006765.

Submissions (2):

Labcorp Genetics (formerly Invitae), Labcorp
Classification: Pathogenic for Multiple congenital exostosis. Last evaluated: 2025-12-03. Review status: criteria provided, single submitter. Criteria: Invitae Variant Classification Sherloc (09022015). Collection method: clinical testing. Allele origin: germline.
Comment: This sequence change creates a premature translational stop signal (p.Tyr119Serfs*69) in the EXT1 gene. It is expected to result in an absent or disrupted protein product. Loss-of-function variants in EXT1 are known to be pathogenic (PMID: 10679937, 11391482, 19810120). This variant is not present in population databases (gnomAD no frequency). This variant has not been reported in the literature in individuals affected with EXT1-related conditions. ClinVar contains an entry for this variant (Variation ID: 2036900). For these reasons, this variant has been classified as Pathogenic.

Baylor Genetics
Classification: Likely pathogenic for Chondrosarcoma. Last evaluated: 2023-12-05. Review status: criteria provided, single submitter. Criteria: ACMG Guidelines, 2015. Collection method: clinical testing. Allele origin: unknown.

Literature cited by the submitters: PubMed 10679937 (cited by Labcorp Genetics (formerly Invitae), Labcorp); PubMed 11391482 (cited by Labcorp Genetics (formerly Invitae), Labcorp); PubMed 19810120 (cited by Labcorp Genetics (formerly Invitae), Labcorp).

NM_000127.3(EXT1):c.356_357del (p.Tyr119fs)

Gene: EXT1 (exostosin glycosyltransferase 1; minus strand). Cytogenetic location: 8q24.11.
Variant type: Deletion.
Coding change: c.356_357del on transcript NM_000127.3 (MANE Select); coding-DNA positions 356 to 357, 2 bases deleted (AC; older notation c.356_357delAC).
Protein change: p.Tyr119fs; shifts the reading frame from tyrosine 119.
Molecular consequence: frameshift variant.
Genome position (GRCh38, 1-based): chr8:118,110,690-118,110,691, GT deleted on the plus strand (AC on the coding strand, the reverse complement: EXT1 is on the minus strand). VCF-style (leftmost placement, unchanged base first): chr8-118110689-GGT-G. GRCh37 (hg19) VCF-style: chr8-119122928-GGT-G.
Other names: short protein forms Y119fs.
Identifiers: ClinVar variation 2036900 (VCV002036900.5), dbSNP rs2488052466, ClinGen allele CA2580078562.